The following is an entry in ClinVar:

NM_006766.5(KAT6A):c.688T>C (p.Cys230Arg)

Gene: KAT6A (lysine acetyltransferase 6A; minus strand). Cytogenetic location: 8p11.21.
Variant type: single nucleotide variant.
Coding change: c.688T>C on transcript NM_006766.5 (MANE Select); coding-DNA position 688, T replaced by C.
Protein change: p.Cys230Arg; replaces cysteine 230 with arginine.
Molecular consequence: missense variant.
Genome position (GRCh38, 1-based): chr8:41,987,476, A>G on the plus strand (T>C on the coding strand, the complement: KAT6A is on the minus strand). VCF-style: chr8-41987476-A-G. GRCh37 (hg19) VCF-style: chr8-41844994-A-G.
Other names: c.688T>C, p.Cys230Arg (NM_001305878.2); short protein forms C230R.
Identifiers: ClinVar variation 2822591 (VCV002822591.3), dbSNP rs2486844525, ClinGen allele CA371174120.

ClinVar aggregate classification (germline): Uncertain significance (1 of 4 stars; one submission).

Submission:

Labcorp Genetics (formerly Invitae), Labcorp
Classification: Uncertain significance. Last evaluated: 2023-02-02. Review status: criteria provided, single submitter. Criteria: Invitae Variant Classification Sherloc (09022015). Collection method: clinical testing. Allele origin: germline.
Comment: In summary, the available evidence is currently insufficient to determine the role of this variant in disease. Therefore, it has been classified as a Variant of Uncertain Significance. This sequence change replaces cysteine, which is neutral and slightly polar, with arginine, which is basic and polar, at codon 230 of the KAT6A protein (p.Cys230Arg). This variant is not present in population databases (gnomAD no frequency). This variant has not been reported in the literature in individuals affected with KAT6A-related conditions. Advanced modeling of protein sequence and biophysical properties (such as structural, functional, and spatial information, amino acid conservation, physicochemical variation, residue mobility, and thermodynamic stability) has been performed at Invitae for this missense variant, however the output from this modeling did not meet the statistical confidence thresholds required to predict the impact of this variant on KAT6A protein function.